The following is an entry in ClinVar:

ClinVar aggregate classification (germline): Uncertain significance (1 of 4 stars; one submission).

Allele frequency attached by ClinVar (database versions not stated): TOPMed 0.00001; ExAC 0.00002; gnomAD exomes 0.00002.

Submission:

Labcorp Genetics (formerly Invitae), Labcorp
Classification: Uncertain significance. Last evaluated: 2022-11-15. Review status: criteria provided, single submitter. Criteria: Invitae Variant Classification Sherloc (09022015). Collection method: clinical testing. Allele origin: germline.
Comment: ClinVar contains an entry for this variant (Variation ID: 842165). This variant has not been reported in the literature in individuals affected with PDE6B-related conditions. This variant is present in population databases (rs745722843, gnomAD 0.009%). This sequence change replaces methionine, which is neutral and non-polar, with valine, which is neutral and non-polar, at codon 72 of the PDE6B protein (p.Met72Val). Advanced modeling of protein sequence and biophysical properties (such as structural, functional, and spatial information, amino acid conservation, physicochemical variation, residue mobility, and thermodynamic stability) performed at Invitae indicates that this missense variant is not expected to disrupt PDE6B protein function. In summary, the available evidence is currently insufficient to determine the role of this variant in disease. Therefore, it has been classified as a Variant of Uncertain Significance.

NM_000283.4(PDE6B):c.214A>G (p.Met72Val)

Gene: PDE6B (phosphodiesterase 6B; plus strand). Cytogenetic location: 4p16.3.
Variant type: single nucleotide variant.
Coding change: c.214A>G on transcript NM_000283.4 (MANE Select); coding-DNA position 214, A replaced by G.
Protein change: p.Met72Val; replaces methionine 72 with valine.
Molecular consequence: missense variant.
Genome position (GRCh38, 1-based): chr4:625,840, A>G. VCF-style: chr4-625840-A-G. GRCh37 (hg19) VCF-style: chr4-619629-A-G.
Other names: c.214A>G, p.Met72Val (NM_001145291.2); short protein forms M72V.
Identifiers: ClinVar variation 842165 (VCV000842165.9), dbSNP rs745722843, ClinGen allele CA2793873.